The following is an entry in ClinVar:

ClinVar aggregate classification (germline): Uncertain significance (1 of 4 stars; one submission).

Submission:

Labcorp Genetics (formerly Invitae), Labcorp
Classification: Uncertain significance. Last evaluated: 2023-11-25. Review status: criteria provided, single submitter. Criteria: Invitae Variant Classification Sherloc (09022015). Collection method: clinical testing. Allele origin: germline.
Comment: This sequence change replaces glycine, which is neutral and non-polar, with aspartic acid, which is acidic and polar, at codon 502 of the LZTR1 protein (p.Gly502Asp). This variant is not present in population databases (gnomAD no frequency). This variant has not been reported in the literature in individuals affected with LZTR1-related conditions. Advanced modeling of protein sequence and biophysical properties (such as structural, functional, and spatial information, amino acid conservation, physicochemical variation, residue mobility, and thermodynamic stability) performed at Invitae indicates that this missense variant is not expected to disrupt LZTR1 protein function with a negative predictive value of 80%. In summary, the available evidence is currently insufficient to determine the role of this variant in disease. Therefore, it has been classified as a Variant of Uncertain Significance.

NM_006767.4(LZTR1):c.1505G>A (p.Gly502Asp)

Gene: LZTR1 (leucine zipper like post translational regulator 1; plus strand). Cytogenetic location: 22q11.21.
Variant type: single nucleotide variant.
Coding change: c.1505G>A on transcript NM_006767.4 (MANE Select); coding-DNA position 1505, G replaced by A.
Protein change: p.Gly502Asp; replaces glycine 502 with aspartic acid.
Molecular consequence: missense variant.
Genome position (GRCh38, 1-based): chr22:20,994,159, G>A. VCF-style: chr22-20994159-G-A. GRCh37 (hg19) VCF-style: chr22-21348448-G-A.
Other names: short protein forms G502D.
Identifiers: ClinVar variation 2904409 (VCV002904409.3), dbSNP rs2518620852, ClinGen allele CA410775669.